The following is an entry in ClinVar:

ClinVar aggregate classification (germline): Uncertain significance. Review status: criteria provided, multiple submitters, no conflicts (2 of 4 stars). 7 submissions from 7 submitters: Uncertain significance (5). 2 of the submissions do not count toward it. Last evaluated 2026-02-27.

Conditions:
Cardiovascular phenotype. Identifiers: MedGen CN230736.
Juvenile myelomonocytic leukemia (JMML). Also called: LEUKEMIA, JUVENILE MYELOMONOCYTIC, SOMATIC. Identifiers: Orphanet 86834, MedGen C0349639, MONDO:0011908, OMIM 607785, HP:0012209.
Metachondromatosis (METCDS). Identifiers: Orphanet 2499, MedGen C0410530, MONDO:0007979, OMIM 156250.
Noonan syndrome 1 (NS1). Also called: FEMALE PSEUDO-TURNER SYNDROME; PTPN11-Related Noonan Syndrome; TURNER PHENOTYPE WITH NORMAL KARYOTYPE. Identifiers: Orphanet 648, MedGen C4551602, MONDO:0008104, OMIM 163950. Disease mechanism: gain of function.
LEOPARD syndrome 1 (LPRD1). Also called: PTPN11-Related LEOPARD Syndrome; LENTIGINOSIS, CARDIOMYOPATHIC; MULTIPLE LENTIGINES SYNDROME. Identifiers: Orphanet 500, MedGen C4551484, MONDO:0100082, OMIM 151100.
RASopathy. Also called: Noonan spectrum disorder; rasopathies. Identifiers: Orphanet 536391, MedGen C5555857, MONDO:0021060.
Noonan syndrome (NS). Also called: Noonan's syndrome. Identifiers: Orphanet 648, MedGen C0028326, MeSH D009634, MONDO:0018997. Disease mechanism: gain of function.

Allele frequency attached by ClinVar (database versions not stated): gnomAD 0.00002; TOPMed 0.00001; gnomAD exomes 0.00002; ExAC 0.00003.
gnomAD v4.1: 27 of 1,613,938 alleles (0.0017%); highest among the groups gnomAD compares: Admixed American, 0.005%; no homozygotes.

Submissions (7):

Ambry Genetics
Classification: Uncertain significance for Cardiovascular phenotype. Last evaluated: 2026-02-27. Review status: criteria provided, single submitter. Criteria: Ambry Variant Classification Scheme 2023. Collection method: clinical testing. Allele origin: germline.

Labcorp Genetics (formerly Invitae), Labcorp
Classification: Uncertain significance for RASopathy. Last evaluated: 2025-05-26. Review status: criteria provided, single submitter. Criteria: Invitae Variant Classification Sherloc (09022015). Collection method: clinical testing. Allele origin: germline.
Comment: This sequence change replaces arginine, which is basic and polar, with histidine, which is basic and polar, at codon 152 of the PTPN11 protein (p.Arg152His). This variant is present in population databases (rs397507521, gnomAD 0.004%). This missense change has been observed in individual(s) with Noonan syndrome (PMID: 32164556). ClinVar contains an entry for this variant (Variation ID: 40514). Invitae Evidence Modeling of protein sequence and biophysical properties (such as structural, functional, and spatial information, amino acid conservation, physicochemical variation, residue mobility, and thermodynamic stability) indicates that this missense variant is expected to disrupt PTPN11 protein function with a positive predictive value of 95%. In summary, the available evidence is currently insufficient to determine the role of this variant in disease. Therefore, it has been classified as a Variant of Uncertain Significance.

GeneDx
Classification: Uncertain significance. Last evaluated: 2024-09-26. Review status: criteria provided, single submitter. Criteria: GeneDx Variant Classification Process June 2021. Collection method: clinical testing. Allele origin: germline. Affected: yes.
Comment: Reported as a paternally inherited variant in an individual with dilated cardiomyopathy and dysmorphic features; however a different genetic etiology was identified for the cardiomyopathy in that individual (PMID: 29517769); Observed in an individual with a reported clinical diagnosis of Noonan syndrome who had PTPN11 gene sequencing only; no additional clinical information was provided (PMID: 32164556); Reported as a VUS in a patient with hypospadias (PMID: 33468338); Observed as a germline variant in individuals with a history of cancer; the R152H variant was classified by the authors as a variant of uncertain significance (PMID: 29625052, 36451132); Reported as a somatic variant in B-precursor acute lymphoblastic leukemia (PMID: 16518851); In silico analysis supports that this missense variant has a deleterious effect on protein structure/function; Missense variants in this gene are a common cause of disease and they are underrepresented in the general population; This variant is associated with the following publications: (PMID: 24728327, 29625052, 29493581, 32164556, 29517769, 36451132, 33468338, 16518851)

Fulgent Genetics
Classification: Uncertain significance for LEOPARD syndrome 1; Metachondromatosis; Noonan syndrome 1; Juvenile myelomonocytic leukemia. Last evaluated: 2024-02-22. Review status: criteria provided, single submitter. Criteria: ACMG Guidelines, 2015. Collection method: clinical testing. Allele origin: germline.

Mendelics
Classification: Uncertain significance for Metachondromatosis. Last evaluated: 2019-05-28. Review status: criteria provided, single submitter. Criteria: Mendelics Assertion Criteria 2017. Collection method: clinical testing. Allele origin: unknown.

ITMI
No classification provided. Condition: AllHighlyPenetrant. Last evaluated: 2013-09-19. Review status: no classification provided. Collection method: reference population. Allele origin: germline. Not counted in ClinVar's aggregate classification.
Comment: Please see associated publication for description of ethnicities

Service de Génétique Moléculaire, Hôpital Robert Debré
Classification: Uncertain significance for Noonan syndrome. Review status: no assertion criteria provided. Collection method: clinical testing. Allele origin: unknown. Affected: yes. Not counted in ClinVar's aggregate classification.

Literature cited by the submitters: PubMed 32164556 (cited by Labcorp Genetics (formerly Invitae), Labcorp); PubMed 24728327 (cited by ITMI).

NM_002834.5(PTPN11):c.455G>A (p.Arg152His)

Gene: PTPN11 (protein tyrosine phosphatase non-receptor type 11; plus strand). Cytogenetic location: 12q24.13.
Variant type: single nucleotide variant.
Coding change: c.455G>A on transcript NM_002834.5 (MANE Select); coding-DNA position 455, G replaced by A.
Protein change: p.Arg152His; replaces arginine 152 with histidine.
Molecular consequence: missense variant.
Genome position (GRCh38, 1-based): chr12:112,453,317, G>A. VCF-style: chr12-112453317-G-A. GRCh37 (hg19) VCF-style: chr12-112891121-G-A.
Other names: p.R152H:CGC>CAC; c.455G>A, p.Arg152His (NM_001330437.2, NM_080601.3); c.452G>A, p.Arg151His (NM_001374625.1); short protein forms R152H, R151H.
Identifiers: ClinVar variation 40514 (VCV000040514.17), dbSNP rs397507521, ClinGen allele CA161782.